The following is an entry in ClinVar:

NM_001134363.3(RBM20):c.3084G>A (p.Glu1028=)

Gene: RBM20 (RNA binding motif protein 20; plus strand). Cytogenetic location: 10q25.2.
Variant type: single nucleotide variant.
Coding change: c.3084G>A on transcript NM_001134363.3 (MANE Select); coding-DNA position 3084, G replaced by A.
Protein change: p.Glu1028=; no amino-acid change (glutamic acid 1028 retained).
Molecular consequence: synonymous variant.
Genome position (GRCh38, 1-based): chr10:110,821,703, G>A. VCF-style: chr10-110821703-G-A. GRCh37 (hg19) VCF-style: chr10-112581461-G-A.
Other names: c.3084G>A (LRG_382t1).
Identifiers: ClinVar variation 391467 (VCV000391467.4), dbSNP rs1057524093, ClinGen allele CA16605810.

ClinVar aggregate classification (germline): Likely benign. Review status: criteria provided, multiple submitters, no conflicts (2 of 4 stars). 2 submissions from 2 submitters: Likely benign (2). Last evaluated 2023-09-21.

Conditions:
Dilated cardiomyopathy 1DD (CMD1DD). Identifiers: Orphanet 154, MedGen C2750995, MONDO:0013168, OMIM 613172.

Submissions (2):

Labcorp Genetics (formerly Invitae), Labcorp
Classification: Likely benign for Dilated cardiomyopathy 1DD. Last evaluated: 2023-09-21. Review status: criteria provided, single submitter. Criteria: Invitae Variant Classification Sherloc (09022015). Collection method: clinical testing. Allele origin: germline.

GeneDx
Classification: Likely benign. Last evaluated: 2016-12-07. Review status: criteria provided, single submitter. Criteria: GeneDx Variant Classification (06012015). Collection method: clinical testing. Allele origin: germline. Affected: yes.
Comment: This variant is considered likely benign or benign based on one or more of the following criteria: it is a conservative change, it occurs at a poorly conserved position in the protein, it is predicted to be benign by multiple in silico algorithms, and/or has population frequency not consistent with disease.